The following is an entry in ClinVar:

ClinVar aggregate classification (germline): Uncertain significance (1 of 4 stars; one submission).

Conditions:
Neutral lipid storage myopathy (NLSDM). Also called: NEUTRAL LIPID STORAGE DISEASE WITHOUT ICHTHYOSIS. Identifiers: Orphanet 98908, MedGen C1853136, MONDO:0012545, OMIM 610717.

Allele frequency attached by ClinVar (database versions not stated): gnomAD exomes below 0.00001.

Submission:

Labcorp Genetics (formerly Invitae), Labcorp
Classification: Uncertain significance for Neutral lipid storage myopathy. Last evaluated: 2022-07-26. Review status: criteria provided, single submitter. Criteria: Invitae Variant Classification Sherloc (09022015). Collection method: clinical testing. Allele origin: germline.
Comment: This sequence change replaces leucine, which is neutral and non-polar, with histidine, which is basic and polar, at codon 175 of the PNPLA2 protein (p.Leu175His). This variant is not present in population databases (gnomAD no frequency). This variant has not been reported in the literature in individuals affected with PNPLA2-related conditions. ClinVar contains an entry for this variant (Variation ID: 1480709). Algorithms developed to predict the effect of missense changes on protein structure and function (SIFT, PolyPhen-2, Align-GVGD) all suggest that this variant is likely to be tolerated. In summary, the available evidence is currently insufficient to determine the role of this variant in disease. Therefore, it has been classified as a Variant of Uncertain Significance.

NM_020376.4(PNPLA2):c.524T>A (p.Leu175His)

Gene: PNPLA2 (patatin like domain 2, triacylglycerol lipase; plus strand). Cytogenetic location: 11p15.5.
Variant type: single nucleotide variant.
Coding change: c.524T>A on transcript NM_020376.4 (MANE Select); coding-DNA position 524, T replaced by A.
Protein change: p.Leu175His; replaces leucine 175 with histidine.
Molecular consequence: missense variant.
Genome position (GRCh38, 1-based): chr11:822,434, T>A. VCF-style: chr11-822434-T-A. GRCh37 (hg19) VCF-style: chr11-822434-T-A.
Other names: short protein forms L175H.
Identifiers: ClinVar variation 1480709 (VCV001480709.8), dbSNP rs2133847947, ClinGen allele CA378980047.